The following is an entry in ClinVar:

ClinVar aggregate classification (germline): Conflicting classifications of pathogenicity. Review status: criteria provided, conflicting classifications (1 of 4 stars). 5 submissions from 5 submitters: Uncertain significance (4); Benign (1). Last evaluated 2024-12-05.

Conditions:
Cardiovascular phenotype. Identifiers: MedGen CN230736.
Brugada syndrome 7 (BRGDA7). Identifiers: Orphanet 130, MedGen C2751088, MONDO:0013146, OMIM 613120.

Allele frequency attached by ClinVar (database versions not stated): ExAC 0.00002; gnomAD 0.00003 and 0.00004; gnomAD exomes 0.00003 and 0.00004; TOPMed 0.00003.
gnomAD v4.1: 57 of 1,614,002 alleles (0.0035%); highest among the groups gnomAD compares: East Asian, 0.0067%; no homozygotes.

Submissions (5):

Labcorp Genetics (formerly Invitae), Labcorp
Classification: Uncertain significance for Brugada syndrome 7. Last evaluated: 2024-12-05. Review status: criteria provided, single submitter. Criteria: Invitae Variant Classification Sherloc (09022015). Collection method: clinical testing. Allele origin: germline.
Comment: This sequence change replaces arginine, which is basic and polar, with glutamine, which is neutral and polar, at codon 139 of the SCN3B protein (p.Arg139Gln). This variant is present in population databases (rs770801747, gnomAD 0.03%). This variant has not been reported in the literature in individuals affected with SCN3B-related conditions. ClinVar contains an entry for this variant (Variation ID: 190888). An algorithm developed to predict the effect of missense changes on protein structure and function (PolyPhen-2) suggests that this variant¬†is likely to be tolerated. In summary, the available evidence is currently insufficient to determine the role of this variant in disease. Therefore, it has been classified as a Variant of Uncertain Significance.

Ambry Genetics
Classification: Benign for Cardiovascular phenotype. Last evaluated: 2024-01-25. Review status: criteria provided, single submitter. Criteria: Ambry Variant Classification Scheme 2023. Collection method: clinical testing. Allele origin: germline.

Fulgent Genetics
Classification: Uncertain significance for Brugada syndrome 7. Last evaluated: 2021-08-25. Review status: criteria provided, single submitter. Criteria: ACMG Guidelines, 2015. Collection method: clinical testing. Allele origin: unknown.

ARUP Laboratories, Molecular Genetics and Genomics, ARUP Laboratories
Classification: Uncertain significance. Last evaluated: 2018-12-19. Review status: criteria provided, single submitter. Criteria: ARUP Molecular Germline Variant Investigation Process. Collection method: clinical testing. Allele origin: germline.
Comment: The SCN3B c.416G>A; p.Arg139Gln variant (rs770801747), to our knowledge, is not reported in the medical literature but is reported in ClinVar (Variation ID: 190888). This variant is found in the East Asian population with an allele frequency of 0.025% (5/19,952 alleles) in the Genome Aggregation Database. The arginine at codon 139 is highly conserved, but computational analyses (SIFT: damaging, PolyPhen-2: benign) predict conflicting effects of this variant on protein structure/function. Due to limited information, the clinical significance of the p.Arg139Gln variant is uncertain at this time.

GeneDx
Classification: Uncertain significance. Last evaluated: 2014-12-18. Review status: criteria provided, single submitter. Criteria: GeneDx Variant Classification (06012015). Collection method: clinical testing. Allele origin: germline. Affected: yes.
Comment: This variant is denoted Arg139Gln (aka R139Q) at the protein level and c.416 G>A at the cDNA level. A heterozygous G>A nucleotide substitution was identified in exon 3 of the SCN3B gene, resulting in the replacement of the normal Arginine codon (CGG) with a Glutamine codon (CAG) at amino acid position 139 in the in the cardiac sodium channel, voltage-gated, type III, beta subunit. The Arg139Gln variant in the SCN3B gene has not been reported previously as a disease-causing mutation nor as a benign polymorphism, to our knowledge. Arg139Gln results in a semi-conservative amino acid substitution of a positively charged Arginine with a neutral, polar Glutamine at a residue that is conserved across mammal species. In addition, the Arg139Gln variant was not detected in up to 600 alleles from control individuals of Caucasian and African American ancestry tested, indicating it is not a common benign variant in these populations. However, few mutations have been reported in this region of the SCN3B gene to date, and in silico analysis predicts Arg139Gln likely has a benign effect on the protein structure/function. With the clinical and molecular information available at this time, we cannot unequivocally determine whether the Arg139Gln variant in the SCN3B gene is a disease-causing mutation or a rare benign variant. The variant is found in BRUGADA panel(s).

NM_001040151.2(SCN3B):c.416G>A (p.Arg139Gln)

Gene: SCN3B (sodium voltage-gated channel beta subunit 3; minus strand). Cytogenetic location: 11q24.1.
Variant type: single nucleotide variant.
Coding change: c.416G>A on transcript NM_001040151.2 (MANE Select); coding-DNA position 416, G replaced by A.
Protein change: p.Arg139Gln; replaces arginine 139 with glutamine.
Molecular consequence: missense variant.
Genome position (GRCh38, 1-based): chr11:123,642,475, C>T on the plus strand (G>A on the coding strand, the complement: SCN3B is on the minus strand). VCF-style: chr11-123642475-C-T. GRCh37 (hg19) VCF-style: chr11-123513183-C-T.
Other names: p.R139Q:CGG>CAG; c.416G>A, p.Arg139Gln (NM_018400.4); short protein forms R139Q.
Identifiers: ClinVar variation 190888 (VCV000190888.20), dbSNP rs770801747, ClinGen allele CA302210.
Genomic context (GRCh38, chr11:123,642,475, plus strand): 5'-ACGCCCTAGAGACCCTGTGCCTCAGCCTCACCCTCCTCGGTGACTCTTAGGGGGATCAGC[C>T]GCGTCGTCTTCACAAAGGGCCGATGCGCCTCAAACTCAAACTCCCGGGACACATTGCAGG-3'
Protein context (NP_001035241.1, residues 129-149): EAHRPFVKTT[Arg139Gln]LIPLRVTEEA